The following is an entry in ClinVar:

NM_001927.4(DES):c.1178A>G (p.Asn393Ser)

Gene: DES (desmin; plus strand). Cytogenetic location: 2q35.
Variant type: single nucleotide variant.
Coding change: c.1178A>G on transcript NM_001927.4 (MANE Select); coding-DNA position 1178, A replaced by G.
Protein change: p.Asn393Ser; replaces asparagine 393 with serine.
Molecular consequence: missense variant.
Genome position (GRCh38, 1-based): chr2:219,421,494, A>G. VCF-style: chr2-219421494-A-G. GRCh37 (hg19) VCF-style: chr2-220286216-A-G.
Other names: c.1175A>G, p.Asn392Ser (NM_001382708.1); c.746A>G, p.Asn249Ser (NM_001382709.1); c.1109A>G, p.Asn370Ser (NM_001382710.1); c.1157A>G, p.Asn386Ser (NM_001382711.1); c.1178A>G, p.Asn393Ser (NM_001382712.1); c.908A>G, p.Asn303Ser (NM_001382713.1); short protein forms N249S, N303S, N370S, N386S, N392S, N393S.
Identifiers: ClinVar variation 3765910 (VCV003765910.3).
Genomic context (GRCh38, chr2:219,421,494, plus strand): 5'-AAATCCGGCACCTCAAGGATGAGATGGCCCGCCATCTGCGCGAGTACCAGGACCTGCTCA[A>G]CGTGAAGATGGCCCTGGATGTGGAGATTGCCACCTACCGGAAGCTGCTGGAGGGAGAGGA-3'
Protein context (NP_001918.3, residues 383-403): RHLREYQDLL[Asn393Ser]VKMALDVEIA

ClinVar aggregate classification (germline): Uncertain significance. Review status: criteria provided, multiple submitters, no conflicts (2 of 4 stars). 2 submissions from 2 submitters: Uncertain significance (2). Last evaluated 2026-09-18.

Conditions:
Desmin-related myofibrillar myopathy (MFM1). Also called: Desminopathy; Desmin related myopathy (former name); Desmin storage myopathy (former name); MYOFIBRILLAR MYOPATHY WITH ARRHYTHMOGENIC RIGHT VENTRICULAR CARDIOMYOPATHY; DESMIN-RELATED MYOPATHY WITH ARRHYTHMOGENIC RIGHT VENTRICULAR CARDIOMYOPATHY; Myofibrillar myopathy 1. Identifiers: Orphanet 363543, Orphanet 98909, MedGen C1832370, MONDO:0011076, OMIM 601419.

Submissions (2):

GeneDx
Classification: Uncertain significance. Last evaluated: 2026-09-18. Review status: criteria provided, single submitter. Criteria: GeneDx Variant Classification Process June 2021. Collection method: clinical testing. Allele origin: germline.
Comment: Has not been previously published as pathogenic or benign to our knowledge; Not observed at significant frequency in large population cohorts (gnomAD); In silico analysis supports that this missense variant has a deleterious effect on protein structure/function; This variant is associated with the following publications: (PMID: 26807690)

Labcorp Genetics (formerly Invitae), Labcorp
Classification: Uncertain significance for Desmin-related myofibrillar myopathy. Last evaluated: 2025-10-15. Review status: criteria provided, single submitter. Criteria: Invitae Variant Classification Sherloc (09022015). Collection method: clinical testing. Allele origin: germline.
Comment: This sequence change replaces asparagine, which is neutral and polar, with serine, which is neutral and polar, at codon 393 of the DES protein (p.Asn393Ser). This variant is present in population databases (rs121913001, gnomAD 0.02%). This variant has not been reported in the literature in individuals affected with DES-related conditions. ClinVar contains an entry for this variant (Variation ID: 3765910). Invitae Evidence Modeling of protein sequence and biophysical properties (such as structural, functional, and spatial information, amino acid conservation, physicochemical variation, residue mobility, and thermodynamic stability) has been performed for this missense variant. However, the output from this modeling did not meet the statistical confidence thresholds required to predict the impact of this variant on DES protein function. In summary, the available evidence is currently insufficient to determine the role of this variant in disease. Therefore, it has been classified as a Variant of Uncertain Significance.